The following is an entry in ClinVar:

NM_014946.4(SPAST):c.161C>G (p.Ser54Cys)

Gene: SPAST (spastin; plus strand). Cytogenetic location: 2p22.3.
Variant type: single nucleotide variant.
Coding change: c.161C>G on transcript NM_014946.4 (MANE Select); coding-DNA position 161, C replaced by G.
Protein change: p.Ser54Cys; replaces serine 54 with cysteine.
Molecular consequence: missense variant.
Genome position (GRCh38, 1-based): chr2:32,063,992, C>G. VCF-style: chr2-32063992-C-G. GRCh37 (hg19) VCF-style: chr2-32289061-C-G.
Other names: c.161C>G, p.Ser54Cys (NM_001363823.2, NM_001363875.2, NM_001377959.1 and 1 more transcripts); short protein forms S54C.
Identifiers: ClinVar variation 2305062 (VCV002305062.10), dbSNP rs547463793, ClinGen allele CA1600509.
Genomic context (GRCh38, chr2:32,063,992, plus strand): 5'-CCGCCGCCGGGCCGGCCCCTCCGCCCGAGTCGCCGCATAAGCGGAACCTGTACTATTTCT[C>G]CTACCCGCTGTTTGTAGGCTTCGCGCTGCTGCGTTTGGTCGCCTTCCACCTGGGGCTCCT-3'
Protein context (NP_055761.2, residues 44-64): SPHKRNLYYF[Ser54Cys]YPLFVGFALL

ClinVar aggregate classification (germline): Uncertain significance. Review status: criteria provided, multiple submitters, no conflicts (2 of 4 stars). 4 submissions from 4 submitters: Uncertain significance (4). Last evaluated 2025-08-20.

Conditions:
SPAST-related disorder. Also called: SPAST-related condition.
Inborn genetic diseases. Identifiers: MedGen C0950123, MeSH D030342.
Hereditary spastic paraplegia 4. Also called: Spastic paraplegia 4, autosomal dominant; Spastic Paraplegia 4; Familial spastic paraplegia autosomal dominant 2. Identifiers: Orphanet 100985, MedGen C1866855, MONDO:0008438, OMIM 182601.

Allele frequency attached by ClinVar (database versions not stated): gnomAD exomes below 0.00001; gnomAD 0.00001; ExAC 0.00003; 1000 Genomes Project 30x 0.00016; 1000 Genomes Project 0.00020.
gnomAD v4.1: 6 of 1,613,450 alleles (0.00037%); highest among the groups gnomAD compares: South Asian, 0.0066%; no homozygotes.

Submissions (4):

PreventionGenetics, part of Exact Sciences
Classification: Uncertain significance for SPAST-related condition. Last evaluated: 2025-08-20. Review status: criteria provided, single submitter. Criteria: ACMG Guidelines, 2015. Collection method: clinical testing. Allele origin: germline.
Comment: The SPAST c.161C>G variant is predicted to result in the amino acid substitution p.Ser54Cys. To our knowledge, this variant has not been reported in the literature. This variant is reported in 0.013% of alleles in individuals of South Asian descent in gnomAD. Of note, a different variant impacting the same amino acid but leading to a synonymous change (c.162C>T, p.Ser54=) and impacting splicing was reported in a patient with hereditary spastic paraplegia (Table 1, Patient PR1 in França et al. 2014. PubMed ID: 24033003). At this time, the clinical significance of this variant is uncertain due to the absence of conclusive functional and genetic evidence.

Ambry Genetics
Classification: Uncertain significance for Inborn genetic diseases. Last evaluated: 2024-09-11. Review status: criteria provided, single submitter. Criteria: Ambry Variant Classification Scheme 2023. Collection method: clinical testing. Allele origin: germline.

Labcorp Genetics (formerly Invitae), Labcorp
Classification: Uncertain significance for Hereditary spastic paraplegia 4. Last evaluated: 2023-04-22. Review status: criteria provided, single submitter. Criteria: Invitae Variant Classification Sherloc (09022015). Collection method: clinical testing. Allele origin: germline.
Comment: This sequence change replaces serine, which is neutral and polar, with cysteine, which is neutral and slightly polar, at codon 54 of the SPAST protein (p.Ser54Cys). This variant is present in population databases (rs547463793, gnomAD 0.01%). This variant has not been reported in the literature in individuals affected with SPAST-related conditions. ClinVar contains an entry for this variant (Variation ID: 2305062). Advanced modeling of protein sequence and biophysical properties (such as structural, functional, and spatial information, amino acid conservation, physicochemical variation, residue mobility, and thermodynamic stability) performed at Invitae indicates that this missense variant is expected to disrupt SPAST protein function. In summary, the available evidence is currently insufficient to determine the role of this variant in disease. Therefore, it has been classified as a Variant of Uncertain Significance.

Revvity Omics, Revvity
Classification: Uncertain significance for Hereditary spastic paraplegia 4. Last evaluated: 2022-09-20. Review status: criteria provided, single submitter. Criteria: ACMG Guidelines, 2015. Collection method: clinical testing. Allele origin: germline.